The following is an entry in ClinVar:

ClinVar aggregate classification (germline): Likely benign. Review status: criteria provided, multiple submitters, no conflicts (2 of 4 stars). 3 submissions from 3 submitters: Likely benign (3). Last evaluated 2023-10-02.

Conditions:
Hereditary cancer-predisposing syndrome. Also called: Hereditary neoplastic syndrome; Hereditary Cancer Syndrome; Neoplastic Syndromes, Hereditary; Tumor predisposition. Identifiers: Orphanet 140162, MedGen C0027672, MeSH D009386, MONDO:0015356.
Lynch syndrome. Identifiers: Orphanet 144, MedGen C4552100, MONDO:0005835. Disease mechanism: loss of function.

Allele frequency attached by ClinVar (database versions not stated): gnomAD 0.00001; TOPMed 0.00001; gnomAD exomes 0.00002.
gnomAD v4.1: 35 of 1,611,080 alleles (0.0022%); highest among the groups gnomAD compares: Non-Finnish European, 0.003%; no homozygotes.

Submissions (3):

All of Us Research Program, National Institutes of Health
Classification: Likely benign for Lynch syndrome. Last evaluated: 2023-10-02. Review status: criteria provided, single submitter. Criteria: ACMG Guidelines, 2015. Collection method: clinical testing. Allele origin: germline. Inheritance: Autosomal dominant inheritance. Observed: 2 variant alleles, 2 heterozygotes.
Comment: This study involves interpretation of variants in research participants for the purpose of population health screening. Participant phenotype was not available at the time of variant classification. Additional details can be found in publication PMID: 35346344, PMCID: PMC8962531

GeneDx
Classification: Likely benign. Last evaluated: 2017-09-01. Review status: criteria provided, single submitter. Criteria: GeneDx Variant Classification (06012015). Collection method: clinical testing. Allele origin: germline. Affected: yes.
Comment: This variant is considered likely benign or benign based on one or more of the following criteria: it is a conservative change, it occurs at a poorly conserved position in the protein, it is predicted to be benign by multiple in silico algorithms, and/or has population frequency not consistent with disease.

Color Diagnostics, LLC DBA Color Health
Classification: Likely benign for Hereditary cancer-predisposing syndrome. Last evaluated: 2015-09-09. Review status: criteria provided, single submitter. Criteria: ACMG Guidelines, 2015. Collection method: clinical testing. Allele origin: germline.

NM_000179.3(MSH6):c.-14T>C

Gene: MSH6 (mutS homolog 6; plus strand). Cytogenetic location: 2p16.3.
Variant type: single nucleotide variant.
Coding change: c.-14T>C on transcript NM_000179.3 (MANE Select); 14 bases upstream of the start codon, T replaced by C.
Molecular consequence: 5 prime UTR variant.
Genome position (GRCh38, 1-based): chr2:47,783,220, T>C. VCF-style: chr2-47783220-T-C. GRCh37 (hg19) VCF-style: chr2-48010359-T-C.
Other names: c.-14T>C (NM_001281492.2); c.-750T>C (NM_001281493.2).
Identifiers: ClinVar variation 378160 (VCV000378160.4), dbSNP rs1057520318, ClinGen allele CA16604563.